The following is an entry in ClinVar:

NM_152743.4(BRAT1):c.1579C>T (p.Leu527=)

Gene: BRAT1 (BRCA1 associated ATM activator 1; minus strand). Cytogenetic location: 7p22.3.
Variant type: single nucleotide variant.
Coding change: c.1579C>T on transcript NM_152743.4 (MANE Select); coding-DNA position 1579, C replaced by T.
Protein change: p.Leu527=; no amino-acid change (leucine 527 retained).
Molecular consequence: synonymous variant. On other transcripts: non-coding transcript variant (1).
Genome position (GRCh38, 1-based): chr7:2,539,562, G>A on the plus strand (C>T on the coding strand, the complement: BRAT1 is on the minus strand). VCF-style: chr7-2539562-G-A. GRCh37 (hg19) VCF-style: chr7-2579196-G-A.
Other names: c.1579C>T, p.Leu527= (NM_001350626.2); c.1054C>T, p.Leu352= (NM_001350627.2).
Identifiers: ClinVar variation 540183 (VCV000540183.17), dbSNP rs151161353, ClinGen allele CA4127688.

ClinVar aggregate classification (germline): Benign/Likely benign. Review status: criteria provided, multiple submitters, no conflicts (2 of 4 stars). 5 submissions from 5 submitters: Benign (2); Likely benign (2). 1 of the submissions does not count toward it. Last evaluated 2026-02-03.

Conditions:
Neonatal-onset encephalopathy with rigidity and seizures. Also called: Lethal neonatal spasticity-epileptic encephalopathy syndrome. Identifiers: Orphanet 435845, MedGen C3281029, MONDO:0013784, OMIM 614498.
BRAT1-related disorder. Also called: BRAT1-related disorders; BRAT1-related condition.

Allele frequency attached by ClinVar (database versions not stated): gnomAD 0.00113 and 0.00126; TOPMed 0.00114; ESP Exome Variant Server 0.00131.

Submissions (5):

Labcorp Genetics (formerly Invitae), Labcorp
Classification: Benign for Neonatal-onset encephalopathy with rigidity and seizures. Last evaluated: 2026-02-03. Review status: criteria provided, single submitter. Criteria: Invitae Variant Classification Sherloc (09022015). Collection method: clinical testing. Allele origin: germline.

Women's Health and Genetics/Laboratory Corporation of America, LabCorp
Classification: Likely benign. Last evaluated: 2024-12-10. Review status: criteria provided, single submitter. Criteria: LabCorp Variant Classification Summary - May 2015. Collection method: clinical testing. Allele origin: germline.

GeneDx
Classification: Likely benign. Last evaluated: 2020-05-04. Review status: criteria provided, single submitter. Criteria: GeneDx Variant Classification Process June 2021. Collection method: clinical testing. Allele origin: germline. Affected: yes.

Athena Diagnostics
Classification: Benign. Last evaluated: 2019-11-08. Review status: criteria provided, single submitter. Criteria: Athena Diagnostics Criteria. Collection method: clinical testing. Allele origin: unknown.

PreventionGenetics, part of Exact Sciences
Classification: Likely benign for BRAT1-related condition. Last evaluated: 2024-05-24. Review status: no assertion criteria provided. Collection method: clinical testing. Allele origin: germline. Not counted in ClinVar's aggregate classification.
Comment: This variant is classified as likely benign based on ACMG/AMP sequence variant interpretation guidelines (Richards et al. 2015 PMID: 25741868, with internal and published modifications).